The following is an entry in ClinVar:

NM_001042517.2(DIAPH3):c.1185T>G (p.His395Gln)

Gene: DIAPH3 (diaphanous related formin 3; minus strand). Cytogenetic location: 13q21.2.
Variant type: single nucleotide variant.
Coding change: c.1185T>G on transcript NM_001042517.2 (MANE Select); coding-DNA position 1185, T replaced by G.
Protein change: p.His395Gln; replaces histidine 395 with glutamine.
Molecular consequence: missense variant.
Genome position (GRCh38, 1-based): chr13:59,992,127, A>C on the plus strand (T>G on the coding strand, the complement: DIAPH3 is on the minus strand). VCF-style: chr13-59992127-A-C. GRCh37 (hg19) VCF-style: chr13-60566261-A-C.
Other names: c.1152T>G, p.His384Gln (NM_001258366.2); c.1047T>G, p.His349Gln (NM_001258367.2); c.975T>G, p.His325Gln (NM_001258368.2); c.1185T>G, p.His395Gln (NM_001258369.2); c.396T>G, p.His132Gln (NM_001258370.2, NM_030932.4); short protein forms H325Q, H395Q, H384Q, H132Q, H349Q.
Identifiers: ClinVar variation 3008771 (VCV003008771.3), dbSNP rs140006650, ClinGen allele CA6996773.

ClinVar aggregate classification (germline): Uncertain significance (1 of 4 stars; one submission).

Allele frequency attached by ClinVar (database versions not stated): TOPMed below 0.00001; gnomAD 0.00001; gnomAD exomes 0.00001; ExAC 0.00004; 1000 Genomes Project 30x 0.00016; 1000 Genomes Project 0.00020.
gnomAD v4.1: 12 of 1,612,026 alleles (0.00074%); highest among the groups gnomAD compares: East Asian, 0.018%; no homozygotes.

Submission:

Labcorp Genetics (formerly Invitae), Labcorp
Classification: Uncertain significance. Last evaluated: 2024-01-26. Review status: criteria provided, single submitter. Criteria: Invitae Variant Classification Sherloc (09022015). Collection method: clinical testing. Allele origin: germline.
Comment: This sequence change replaces histidine, which is basic and polar, with glutamine, which is neutral and polar, at codon 395 of the DIAPH3 protein (p.His395Gln). This variant is present in population databases (rs140006650, gnomAD 0.04%). This variant has not been reported in the literature in individuals affected with DIAPH3-related conditions. An algorithm developed to predict the effect of missense changes on protein structure and function (PolyPhen-2) suggests that this variant is likely to be disruptive. In summary, the available evidence is currently insufficient to determine the role of this variant in disease. Therefore, it has been classified as a Variant of Uncertain Significance.